The following is an entry in ClinVar:

ClinVar aggregate classification (germline): Uncertain significance. Review status: criteria provided, multiple submitters, no conflicts (2 of 4 stars). 4 submissions from 4 submitters: Uncertain significance (4). Last evaluated 2024-10-24.

Conditions:
Mucopolysaccharidosis, MPS-II (MPS2). Also called: IDS deficiency; Sulfoiduronate sulfatase deficiency; SIDS deficiency; Mucopolysaccharidosis with skin involvement; Attenuated MPS (subtype; formerly known as mild MPS II); Severe MPS II. Identifiers: Orphanet 580, Orphanet 79388, MedGen C0026705, MONDO:0010674, OMIM 309900.
Inborn genetic diseases. Identifiers: MedGen C0950123, MeSH D030342.

Allele frequency attached by ClinVar (database versions not stated): gnomAD exomes 0.00001.

Submissions (4):

GeneDx
Classification: Uncertain significance. Last evaluated: 2024-10-24. Review status: criteria provided, single submitter. Criteria: GeneDx Variant Classification Process June 2021. Collection method: clinical testing. Allele origin: germline. Affected: yes.
Comment: Not observed at significant frequency in large population cohorts (gnomAD); In silico analysis supports that this missense variant has a deleterious effect on protein structure/function; Has not been previously published as pathogenic or benign to our knowledge

Labcorp Genetics (formerly Invitae), Labcorp
Classification: Uncertain significance for Mucopolysaccharidosis, MPS-II. Last evaluated: 2024-09-28. Review status: criteria provided, single submitter. Criteria: Invitae Variant Classification Sherloc (09022015). Collection method: clinical testing. Allele origin: germline.
Comment: This sequence change replaces proline, which is neutral and non-polar, with threonine, which is neutral and polar, at codon 97 of the IDS protein (p.Pro97Thr). This variant is present in population databases (no rsID available, gnomAD 0.002%), including at least one homozygous and/or hemizygous individual. This missense change has been observed in individual(s) with mucopolysaccharidosis II (internal data). ClinVar contains an entry for this variant (Variation ID: 1354138). Invitae Evidence Modeling of protein sequence and biophysical properties (such as structural, functional, and spatial information, amino acid conservation, physicochemical variation, residue mobility, and thermodynamic stability) indicates that this missense variant is expected to disrupt IDS protein function with a positive predictive value of 80%. This variant disrupts the p.Pro97 amino acid residue in IDS. Other variant(s) that disrupt this residue have been observed in individuals with IDS-related conditions (PMID: 21291454), which suggests that this may be a clinically significant amino acid residue. In summary, the available evidence is currently insufficient to determine the role of this variant in disease. Therefore, it has been classified as a Variant of Uncertain Significance.

Revvity Omics, Revvity
Classification: Uncertain significance for Mucopolysaccharidosis, MPS-II. Last evaluated: 2023-10-19. Review status: criteria provided, single submitter. Criteria: ACMG Guidelines, 2015. Collection method: clinical testing. Allele origin: germline.

Ambry Genetics
Classification: Uncertain significance for Inborn genetic diseases. Last evaluated: 2023-06-25. Review status: criteria provided, single submitter. Criteria: Ambry Variant Classification Scheme 2023. Collection method: clinical testing. Allele origin: germline.
Comment: The p.P97T variant (also known as c.289C>A), located in coding exon 3 of the IDS gene, results from a C to A substitution at nucleotide position 289. The proline at codon 97 is replaced by threonine, an amino acid with highly similar properties. This amino acid position is conserved. In addition, this alteration is predicted to be deleterious by in silico analysis. Since supporting evidence is limited at this time, the clinical significance of this alteration remains unclear.

Literature cited by the submitters: PubMed 21291454 (cited by Labcorp Genetics (formerly Invitae), Labcorp).

NM_000202.8(IDS):c.289C>A (p.Pro97Thr)

Gene: IDS (iduronate 2-sulfatase; minus strand). Cytogenetic location: Xq28.
Variant type: single nucleotide variant.
Coding change: c.289C>A on transcript NM_000202.8 (MANE Select); coding-DNA position 289, C replaced by A.
Protein change: p.Pro97Thr; replaces proline 97 with threonine.
Molecular consequence: missense variant. On other transcripts: non-coding transcript variant (1).
Genome position (GRCh38, 1-based): chrX:149,503,441, G>T on the plus strand (C>A on the coding strand, the complement: IDS is on the minus strand). VCF-style: chrX-149503441-G-T. GRCh37 (hg19) VCF-style: chrX-148584971-G-T.
Other names: c.289C>A (NM_000202.5, NM_000202.4); c.19C>A, p.Pro7Thr (NM_001166550.4); c.289C>A, p.Pro97Thr (NM_006123.5); short protein forms P7T, P97T.
Identifiers: ClinVar variation 1354138 (VCV001354138.10), dbSNP rs1557340273, ClinGen allele CA414526622.